The following is an entry in ClinVar:

ClinVar aggregate classification (germline): Benign. Review status: criteria provided, multiple submitters, no conflicts (2 of 4 stars). 4 submissions from 4 submitters: Benign (4). Last evaluated 2026-01-18.

Conditions:
Melnick-Fraser syndrome (BOR). Also called: Branchiootorenal syndrome; Branchio-oto-renal syndrome; Branchiootorenal Syndrome (BORS). Identifiers: Orphanet 107, MedGen C0265234, MONDO:0007029.

Allele frequency attached by ClinVar (database versions not stated): gnomAD 0.02938 and 0.02728; 1000 Genomes Project 0.02975; ESP Exome Variant Server 0.03006; TOPMed 0.03087; gnomAD exomes 0.00679; ExAC 0.00841; 1000 Genomes Project 30x 0.03248.
gnomAD v4.1: 8,175 of 1,613,668 alleles (0.51%); highest among the groups gnomAD compares: African/African-American, 9.5%; 357 homozygotes.

Submissions (4):

Labcorp Genetics (formerly Invitae), Labcorp
Classification: Benign for Melnick-Fraser syndrome. Last evaluated: 2026-01-18. Review status: criteria provided, single submitter. Criteria: Invitae Variant Classification Sherloc (09022015). Collection method: clinical testing. Allele origin: germline.

GeneDx
Classification: Benign. Last evaluated: 2015-09-03. Review status: criteria provided, single submitter. Criteria: GeneDx Variant Classification (06012015). Collection method: clinical testing. Allele origin: germline. Affected: yes.
Comment: This variant is considered likely benign or benign based on one or more of the following criteria: it is a conservative change, it occurs at a poorly conserved position in the protein, it is predicted to be benign by multiple in silico algorithms, and/or has population frequency not consistent with disease.

Breakthrough Genomics
Classification: Benign. Review status: criteria provided, single submitter. Criteria: ACMG Guidelines, 2015. Collection method: not provided. Allele origin: germline. Inheritance: Autosomal dominant inheritance. Affected: yes.

PreventionGenetics, part of Exact Sciences
Classification: Benign. Review status: criteria provided, single submitter. Criteria: ACMG Guidelines, 2015. Collection method: clinical testing. Allele origin: germline.

NM_000503.6(EYA1):c.556+18G>T

Gene: EYA1 (EYA transcriptional coactivator and phosphatase 1; minus strand). Cytogenetic location: 8q13.3.
Variant type: single nucleotide variant.
Coding change: c.556+18G>T on transcript NM_000503.6 (MANE Select); 18 bases into the intron after coding-DNA position 556, G replaced by T.
Molecular consequence: intron variant.
Genome position (GRCh38, 1-based): chr8:71,317,534, C>A on the plus strand (G>T on the coding strand, the complement: EYA1 is on the minus strand). VCF-style: chr8-71317534-C-A. GRCh37 (hg19) VCF-style: chr8-72229769-C-A.
Other names: c.625+18G>T (NM_001370336.1); c.643+18G>T (NM_001370333.1); c.556+18G>T (NM_001370335.1, NM_001370334.1, NM_172058.4); c.628+18G>T (NM_172059.5); c.190+18G>T (NM_001288575.2); c.538+18G>T (NM_001288574.2).
Identifiers: ClinVar variation 262798 (VCV000262798.10), dbSNP rs113694988, ClinGen allele CA4779740.